The following is an entry in ClinVar:

ClinVar aggregate classification (germline): Uncertain significance. Review status: criteria provided, multiple submitters, no conflicts (2 of 4 stars). 2 submissions from 2 submitters: Uncertain significance (2). Last evaluated 2025-03-13.

Conditions:
Hereditary cancer-predisposing syndrome. Also called: Neoplastic Syndromes, Hereditary; Tumor predisposition; Hereditary neoplastic syndrome; Hereditary Cancer Syndrome. Identifiers: Orphanet 140162, MedGen C0027672, MeSH D009386, MONDO:0015356.

Allele frequency attached by ClinVar (database versions not stated): gnomAD exomes below 0.00001; gnomAD 0.00001.
gnomAD v4.1: 3 of 1,613,940 alleles (0.00019%); no homozygotes.

Submissions (2):

Labcorp Genetics (formerly Invitae), Labcorp
Classification: Uncertain significance. Last evaluated: 2025-03-13. Review status: criteria provided, single submitter. Criteria: Invitae Variant Classification Sherloc (09022015). Collection method: clinical testing. Allele origin: germline.
Comment: This sequence change replaces lysine, which is basic and polar, with arginine, which is basic and polar, at codon 467 of the FH protein (p.Lys467Arg). This variant is not present in population databases (gnomAD no frequency). This missense change has been observed in individual(s) with uterine leiomyosarcoma (PMID: 16477632). This variant is also known as K424R. ClinVar contains an entry for this variant (Variation ID: 3230437). Invitae Evidence Modeling of protein sequence and biophysical properties (such as structural, functional, and spatial information, amino acid conservation, physicochemical variation, residue mobility, and thermodynamic stability) has been performed for this missense variant. However, the output from this modeling did not meet the statistical confidence thresholds required to predict the impact of this variant on FH protein function. Experimental studies have shown that this missense change affects FH function (PMID: 16477632). In summary, the available evidence is currently insufficient to determine the role of this variant in disease. Therefore, it has been classified as a Variant of Uncertain Significance.

Ambry Genetics
Classification: Uncertain significance for Hereditary cancer-predisposing syndrome. Last evaluated: 2024-01-31. Review status: criteria provided, single submitter. Criteria: Ambry Variant Classification Scheme 2023. Collection method: clinical testing. Allele origin: germline.
Comment: The p.K467R variant (also known as c.1400A>G), located in coding exon 10 of the FH gene, results from an A to G substitution at nucleotide position 1400. The lysine at codon 467 is replaced by arginine, an amino acid with highly similar properties. This amino acid position is highly conserved in available vertebrate species. In addition, the in silico prediction for this alteration is inconclusive. Based on the available evidence, the clinical significance of this alteration remains unclear.

Literature cited by the submitters: PubMed 16477632 (cited by Labcorp Genetics (formerly Invitae), Labcorp).

NM_000143.4(FH):c.1400A>G (p.Lys467Arg)

Gene: FH (fumarate hydratase; minus strand). Cytogenetic location: 1q43.
Variant type: single nucleotide variant.
Coding change: c.1400A>G on transcript NM_000143.4 (MANE Select); coding-DNA position 1400, A replaced by G.
Protein change: p.Lys467Arg; replaces lysine 467 with arginine.
Molecular consequence: missense variant.
Genome position (GRCh38, 1-based): chr1:241,497,961, T>C on the plus strand (A>G on the coding strand, the complement: FH is on the minus strand). VCF-style: chr1-241497961-T-C. GRCh37 (hg19) VCF-style: chr1-241661261-T-C.
Other names: short protein forms K467R.
Identifiers: ClinVar variation 3230437 (VCV003230437.2), dbSNP rs2527308630, ClinGen allele CA345451054.